The following is an entry in ClinVar:

ClinVar aggregate classification (germline): Uncertain significance (1 of 4 stars; one submission).

Conditions:
DICER1-related tumor predisposition. Also called: DICER1-related pleuropulmonary blastoma cancer predisposition syndrome; DICER1 syndrome. Identifiers: Orphanet 284343, MedGen C3839822, MONDO:0100216.

Submission:

Labcorp Genetics (formerly Invitae), Labcorp
Classification: Uncertain significance for DICER1-related tumor predisposition. Last evaluated: 2025-09-05. Review status: criteria provided, single submitter. Criteria: Invitae Variant Classification Sherloc (09022015). Collection method: clinical testing. Allele origin: germline.
Comment: This sequence change replaces glutamine, which is neutral and polar, with leucine, which is neutral and non-polar, at codon 224 of the DICER1 protein (p.Gln224Leu). This variant is not present in population databases (gnomAD no frequency). This variant has not been reported in the literature in individuals affected with DICER1-related conditions. ClinVar contains an entry for this variant (Variation ID: 543598). Invitae Evidence Modeling of protein sequence and biophysical properties (such as structural, functional, and spatial information, amino acid conservation, physicochemical variation, residue mobility, and thermodynamic stability) indicates that this missense variant is not expected to disrupt DICER1 protein function with a negative predictive value of 95%. In summary, the available evidence is currently insufficient to determine the role of this variant in disease. Therefore, it has been classified as a Variant of Uncertain Significance.

NM_177438.3(DICER1):c.671A>T (p.Gln224Leu)

Gene: DICER1 (dicer 1, ribonuclease III; minus strand). Cytogenetic location: 14q32.13.
Variant type: single nucleotide variant.
Coding change: c.671A>T on transcript NM_177438.3 (MANE Select); coding-DNA position 671, A replaced by T.
Protein change: p.Gln224Leu; replaces glutamine 224 with leucine.
Molecular consequence: missense variant.
Genome position (GRCh38, 1-based): chr14:95,129,535, T>A on the plus strand (A>T on the coding strand, the complement: DICER1 is on the minus strand). VCF-style: chr14-95129535-T-A. GRCh37 (hg19) VCF-style: chr14-95595872-T-A.
Other names: c.671A>T, p.Gln224Leu (NM_001195573.1, NM_001271282.3, NM_001291628.2 and 1 more transcripts); short protein forms Q224L.
Identifiers: ClinVar variation 543598 (VCV000543598.10), dbSNP rs1555375816, ClinGen allele CA390888096.